The following is an entry in ClinVar:

ClinVar aggregate classification (germline): Uncertain significance (1 of 4 stars; one submission).

Conditions:
Congenital disorder of glycosylation type 1E (CDG1E). Also called: CONGENITAL DISORDER OF GLYCOSYLATION, TYPE Ie; CDG Ie. Identifiers: Orphanet 79322, MedGen C1837396, MONDO:0012123, OMIM 608799.

Allele frequency attached by ClinVar (database versions not stated): gnomAD exomes below 0.00001.
gnomAD v4.1: 3 of 1,613,556 alleles (0.00019%); highest among the groups gnomAD compares: Middle Eastern, 0.016%; no homozygotes.

Submission:

Labcorp Genetics (formerly Invitae), Labcorp
Classification: Uncertain significance for Congenital disorder of glycosylation type 1E. Last evaluated: 2018-11-08. Review status: criteria provided, single submitter. Criteria: Invitae Variant Classification Sherloc (09022015). Collection method: clinical testing. Allele origin: germline.
Comment: This sequence change replaces serine with glycine at codon 9 of the DPM1 protein (p.Ser9Gly). The serine residue is weakly conserved and there is a small physicochemical difference between serine and glycine. This variant is not present in population databases (ExAC no frequency). This variant has not been reported in the literature in individuals with DPM1-related disease. Algorithms developed to predict the effect of missense changes on protein structure and function (SIFT, PolyPhen-2, Align-GVGD) all suggest that this variant is likely to be tolerated, but these predictions have not been confirmed by published functional studies and their clinical significance is uncertain. In summary, the available evidence is currently insufficient to determine the role of this variant in disease. Therefore, it has been classified as a Variant of Uncertain Significance.

NM_003859.3(DPM1):c.25A>G (p.Ser9Gly)

Genes: DPM1 (dolichyl-phosphate mannosyltransferase subunit 1, catalytic; minus strand), LOC130066166 (ATAC-STARR-seq lymphoblastoid active region 18108; plus strand). Cytogenetic location: 20q13.13.
Variant type: single nucleotide variant.
Coding change: c.25A>G on transcript NM_003859.3 (MANE Select); coding-DNA position 25, A replaced by G.
Protein change: p.Ser9Gly; replaces serine 9 with glycine.
Molecular consequence: missense variant. On other transcripts: non-coding transcript variant (1).
Genome position (GRCh38, 1-based): chr20:50,958,499, T>C on the plus strand (A>G on the coding strand, the complement: DPM1 is on the minus strand). VCF-style: chr20-50958499-T-C. GRCh37 (hg19) VCF-style: chr20-49575036-T-C.
Other names: c.25A>G, p.Ser9Gly (NM_001317034.1, NM_001317035.1, NM_001317036.1); short protein forms S9G.
Identifiers: ClinVar variation 642739 (VCV000642739.9), dbSNP rs17850343, ClinGen allele CA315263022.
Genomic context (GRCh38, chr20:50,958,499, plus strand): 5'-CCGAATATTTGTTCTGTCGTGGACTGCGCACTTCCAGCTCCCGCCGAGACCTGCGAGGAC[T>C]ACGACTGACTTCCAAGGAGGCCATGGCGGAACTGAGCCAGATGCCGGAAGCGGAATTACG-3'
Protein context (NP_003850.1, residues 1-19): MASLEVSR[Ser9Gly]PRRSRRELEV